The following is an entry in ClinVar:

NM_152564.5(VPS13B):c.988G>A (p.Gly330Ser)

Gene: VPS13B (vacuolar protein sorting 13 homolog B; plus strand). Cytogenetic location: 8q22.2.
Variant type: single nucleotide variant.
Coding change: c.988G>A on transcript NM_152564.5 (MANE Select); coding-DNA position 988, G replaced by A.
Protein change: p.Gly330Ser; replaces glycine 330 with serine.
Molecular consequence: missense variant. On other transcripts: non-coding transcript variant (1).
Genome position (GRCh38, 1-based): chr8:99,121,227, G>A. VCF-style: chr8-99121227-G-A. GRCh37 (hg19) VCF-style: chr8-100133455-G-A.
Other names: c.988G>A, p.Gly330Ser (NM_015243.3, NM_017890.5, NM_181661.3); short protein forms G330S.
Identifiers: ClinVar variation 2051364 (VCV002051364.3), dbSNP rs2488710165, ClinGen allele CA371860863.

ClinVar aggregate classification (germline): Uncertain significance. Review status: criteria provided, multiple submitters, no conflicts (2 of 4 stars). 2 submissions from 2 submitters: Uncertain significance (2). Last evaluated 2024-10-26.

Conditions:
Cohen syndrome (COH1). Also called: PEPPER SYNDROME; Cutis verticis gyrata, retinitis pigmentosa, and sensorineural deafness. Identifiers: Orphanet 193, MedGen C0265223, MONDO:0008999, OMIM 216550.

Allele frequency attached by ClinVar (database versions not stated): gnomAD exomes below 0.00001.
gnomAD v4.1: 3 of 1,614,070 alleles (0.00019%); highest among the groups gnomAD compares: Admixed American, 0.0017%; no homozygotes.

Submissions (2):

Labcorp Genetics (formerly Invitae), Labcorp
Classification: Uncertain significance for Cohen syndrome. Last evaluated: 2024-10-26. Review status: criteria provided, single submitter. Criteria: Invitae Variant Classification Sherloc (09022015). Collection method: clinical testing. Allele origin: germline.
Comment: This sequence change replaces glycine, which is neutral and non-polar, with serine, which is neutral and polar, at codon 330 of the VPS13B protein (p.Gly330Ser). This variant is not present in population databases (gnomAD no frequency). This variant has not been reported in the literature in individuals affected with VPS13B-related conditions. ClinVar contains an entry for this variant (Variation ID: 2051364). Invitae Evidence Modeling of protein sequence and biophysical properties (such as structural, functional, and spatial information, amino acid conservation, physicochemical variation, residue mobility, and thermodynamic stability) indicates that this missense variant is not expected to disrupt VPS13B protein function with a negative predictive value of 80%. In summary, the available evidence is currently insufficient to determine the role of this variant in disease. Therefore, it has been classified as a Variant of Uncertain Significance.

Blueprint Genetics
Classification: Uncertain significance. Last evaluated: 2022-10-09. Review status: criteria provided, single submitter. Criteria: ACMG Guidelines, 2015. Collection method: clinical testing. Allele origin: germline.